The following is an entry in ClinVar:

ClinVar aggregate classification (germline): Pathogenic (1 of 4 stars; one submission).

Conditions:
Mucopolysaccharidosis type 1. Also called: IDUA deficiency; MPS I. Identifiers: Orphanet 579, MedGen C0023786, MONDO:0001586.

Submission:

Labcorp Genetics (formerly Invitae), Labcorp
Classification: Pathogenic for Mucopolysaccharidosis type 1. Last evaluated: 2023-11-25. Review status: criteria provided, single submitter. Criteria: Invitae Variant Classification Sherloc (09022015). Collection method: clinical testing. Allele origin: unknown.
Comment: This variant results in the deletion of exons 13-14 and part of exon 12 (c.1666_*358del) of the IDUA gene. While this deletion is not anticipated to lead to nonsense mediated decay, it is expected to alter mRNA translation or result in a truncated protein product. This variant has not been reported in the literature in individuals affected with IDUA-related conditions. This variant disrupts a region of the IDUA protein in which other variant(s) (p.Ser633Leu) have been determined to be pathogenic (PMID: 11735025, 16438163, 21480867, 26825088, 27146977). This suggests that this is a clinically significant region of the protein, and that variants that disrupt it are likely to be disease-causing. For these reasons, this variant has been classified as Pathogenic.

Literature cited by the submitters: PubMed 11735025; PubMed 16438163; PubMed 21480867; PubMed 26825088; PubMed 27146977.

NC_000004.11:g.(?_997352)_(998539_?)del

Gene: IDUA (alpha-L-iduronidase; plus strand). Cytogenetic location: 4p16.3.
Variant type: Deletion.
Identifiers: ClinVar variation 3246582 (VCV003246582.1).